The following is an entry in ClinVar:

ClinVar aggregate classification (germline): Benign. Review status: criteria provided, multiple submitters, no conflicts (2 of 4 stars). 3 submissions from 3 submitters: Benign (3). Last evaluated 2026-10-01.

Allele frequency attached by ClinVar (database versions not stated): TOPMed 0.00510; 1000 Genomes Project 30x 0.00515; 1000 Genomes Project 0.00519; ESP Exome Variant Server 0.00608; ExAC 0.00924.
gnomAD v4.1: 16,854 of 1,613,834 alleles (1%); highest among the groups gnomAD compares: Non-Finnish European, 1%; 190 homozygotes.

Submissions (3):

CeGaT Center for Human Genetics Tuebingen
Classification: Benign. Last evaluated: 2026-10-01. Review status: criteria provided, single submitter. Criteria: CeGaT Center For Human Genetics Tuebingen Variant Classification Criteria Version 2. Collection method: clinical testing. Allele origin: germline. Affected: yes. Observed: 5 variant alleles.
Comment: KRT86: BS1, BS2; KRT81: BS1, BS2

GeneDx
Classification: Benign. Last evaluated: 2018-07-09. Review status: criteria provided, single submitter. Criteria: GeneDx Variant Classification Process June 2021. Collection method: clinical testing. Allele origin: germline. Affected: yes.

Breakthrough Genomics
Classification: Benign. Review status: criteria provided, single submitter. Criteria: ACMG Guidelines, 2015. Collection method: not provided. Allele origin: germline. Inheritance: Autosomal dominant inheritance. Affected: yes.

NM_002281.4(KRT81):c.946C>T (p.Arg316Cys)

Genes: KRT86 (keratin 86; plus strand), KRT81 (keratin 81; minus strand). Cytogenetic location: 12q13.13.
Variant type: single nucleotide variant.
Coding change: c.946C>T on transcript NM_002281.4 (MANE Select); coding-DNA position 946, C replaced by T.
Protein change: p.Arg316Cys; replaces arginine 316 with cysteine.
Molecular consequence: missense variant. On other transcripts: intron variant (1).
Genome position (GRCh38, 1-based): chr12:52,287,676, G>A on the plus strand (C>T on the coding strand, the complement: KRT81 is on the minus strand). VCF-style: chr12-52287676-G-A. GRCh37 (hg19) VCF-style: chr12-52681460-G-A.
Other names: c.-5+11730G>A (NM_001320198.2); short protein forms R316C.
Identifiers: ClinVar variation 1275631 (VCV001275631.26), dbSNP rs4761786, ClinGen allele CA6576456.